The following is an entry in ClinVar:

ClinVar aggregate classification (germline): Uncertain significance. Review status: criteria provided, multiple submitters, no conflicts (2 of 4 stars). 2 submissions from 2 submitters: Uncertain significance (2). Last evaluated 2025-10-21.

Allele frequency attached by ClinVar (database versions not stated): gnomAD 0.00025 and 0.00028; gnomAD exomes 0.00053; ESP Exome Variant Server 0.00015.
gnomAD v4.1: 761 of 1,614,112 alleles (0.047%); highest among the groups gnomAD compares: Non-Finnish European, 0.056%; 1 homozygote.

Submissions (2):

Mayo Clinic Laboratories, Mayo Clinic
Classification: Uncertain significance. Last evaluated: 2025-10-21. Review status: criteria provided, single submitter. Criteria: ACMG Guidelines, 2015. Collection method: clinical testing. Allele origin: germline. Observed: 2 variant alleles.
Comment: BP4

Labcorp Genetics (formerly Invitae), Labcorp
Classification: Uncertain significance. Last evaluated: 2022-10-17. Review status: criteria provided, single submitter. Criteria: Invitae Variant Classification Sherloc (09022015). Collection method: clinical testing. Allele origin: germline.
Comment: This sequence change replaces glutamic acid, which is acidic and polar, with glycine, which is neutral and non-polar, at codon 531 of the MCM3AP protein (p.Glu531Gly). This variant is present in population databases (rs144333393, gnomAD 0.09%), and has an allele count higher than expected for a pathogenic variant. This variant has not been reported in the literature in individuals affected with MCM3AP-related conditions. ClinVar contains an entry for this variant (Variation ID: 1430792). Algorithms developed to predict the effect of missense changes on protein structure and function are either unavailable or do not agree on the potential impact of this missense change (SIFT: "Deleterious"; PolyPhen-2: "Probably Damaging"; Align-GVGD: "Class C0"). In summary, the available evidence is currently insufficient to determine the role of this variant in disease. Therefore, it has been classified as a Variant of Uncertain Significance.

NM_003906.5(MCM3AP):c.1592A>G (p.Glu531Gly)

Gene: MCM3AP (minichromosome maintenance complex component 3 associated protein; minus strand). Cytogenetic location: 21q22.3.
Variant type: single nucleotide variant.
Coding change: c.1592A>G on transcript NM_003906.5 (MANE Select); coding-DNA position 1592, A replaced by G.
Protein change: p.Glu531Gly; replaces glutamic acid 531 with glycine.
Molecular consequence: missense variant.
Genome position (GRCh38, 1-based): chr21:46,280,068, T>C on the plus strand (A>G on the coding strand, the complement: MCM3AP is on the minus strand). VCF-style: chr21-46280068-T-C. GRCh37 (hg19) VCF-style: chr21-47699982-T-C.
Other names: p.Glu531Gly; short protein forms E531G.
Identifiers: ClinVar variation 1430792 (VCV001430792.5), dbSNP rs144333393, ClinGen allele CA10077041.